The following is an entry in ClinVar:

NM_004239.4(TRIP11):c.4006G>C (p.Glu1336Gln)

Gene: TRIP11 (thyroid hormone receptor interactor 11; minus strand). Cytogenetic location: 14q32.12.
Variant type: single nucleotide variant.
Coding change: c.4006G>C on transcript NM_004239.4 (MANE Select); coding-DNA position 4006, G replaced by C.
Protein change: p.Glu1336Gln; replaces glutamic acid 1336 with glutamine.
Molecular consequence: missense variant.
Genome position (GRCh38, 1-based): chr14:92,003,970, C>G on the plus strand (G>C on the coding strand, the complement: TRIP11 is on the minus strand). VCF-style: chr14-92003970-C-G. GRCh37 (hg19) VCF-style: chr14-92470314-C-G.
Other names: c.4003G>C, p.Glu1335Gln (NM_001321851.1); short protein forms E1335Q, E1336Q.
Identifiers: ClinVar variation 2888511 (VCV002888511.3), dbSNP rs1301603833, ClinGen allele CA390650847.
Genomic context (GRCh38, chr14:92,003,970, plus strand): 5'-GTGATTTTCTTAGCTCTTCTAACTCTTGCTGAAGCAATTCAGAAGATTCACTCAATACTT[C>G]AGACTTACTTGCTCTAAGACACTCTGCAGACTGGGGAGTAAGCAATGATGCAGAAGACAG-3'
Protein context (NP_004230.2, residues 1326-1346): SAECLRASKS[Glu1336Gln]VLSESSELLQ

ClinVar aggregate classification (germline): Uncertain significance (1 of 4 stars; one submission).

Conditions:
Achondrogenesis, type IA (ACG1A). Identifiers: Orphanet 932, Orphanet 93299, MedGen C0265273, MONDO:0008701, OMIM 200600.

Allele frequency attached by ClinVar (database versions not stated): gnomAD 0.00001.
gnomAD v4.1: 20 of 1,614,070 alleles (0.0012%); highest among the groups gnomAD compares: South Asian, 0.018%; 1 homozygote.

Submission:

Labcorp Genetics (formerly Invitae), Labcorp
Classification: Uncertain significance for Achondrogenesis, type IA. Last evaluated: 2024-01-29. Review status: criteria provided, single submitter. Criteria: Invitae Variant Classification Sherloc (09022015). Collection method: clinical testing. Allele origin: germline.
Comment: This sequence change replaces glutamic acid, which is acidic and polar, with glutamine, which is neutral and polar, at codon 1336 of the TRIP11 protein (p.Glu1336Gln). This variant is present in population databases (no rsID available, gnomAD 0.003%). This variant has not been reported in the literature in individuals affected with TRIP11-related conditions. Advanced modeling of protein sequence and biophysical properties (such as structural, functional, and spatial information, amino acid conservation, physicochemical variation, residue mobility, and thermodynamic stability) performed at Invitae indicates that this missense variant is not expected to disrupt TRIP11 protein function with a negative predictive value of 80%. In summary, the available evidence is currently insufficient to determine the role of this variant in disease. Therefore, it has been classified as a Variant of Uncertain Significance.